The following is an entry in ClinVar:

ClinVar aggregate classification (germline): Uncertain significance. Review status: criteria provided, multiple submitters, no conflicts (2 of 4 stars). 2 submissions from 2 submitters: Uncertain significance (2). Last evaluated 2024-04-16.

Conditions:
Catecholaminergic polymorphic ventricular tachycardia (CVPT). Also called: Catecholamine-induced polymorphic ventricular tachycardia. Identifiers: Orphanet 3286, MedGen C5574922, MONDO:0017990.
Catecholaminergic polymorphic ventricular tachycardia 1. Also called: VENTRICULAR TACHYCARDIA, STRESS-INDUCED POLYMORPHIC 1; VENTRICULAR TACHYCARDIA, CATECHOLAMINERGIC POLYMORPHIC, 1, WITH OR WITHOUT ATRIAL DYSFUNCTION AND/OR DILATED CARDIOMYOPATHY; RYR2-Related Catecholaminergic Polymorphic Ventricular Tachycardia. Identifiers: Orphanet 3286, MedGen C1631597, MONDO:0011484, OMIM 604772.

Allele frequency attached by ClinVar (database versions not stated): gnomAD exomes below 0.00001 and 0.00001; ExAC 0.00001.
gnomAD v4.1: 7 of 1,611,090 alleles (0.00043%); highest among the groups gnomAD compares: South Asian, 0.0044%; no homozygotes.

Submissions (2):

All of Us Research Program, National Institutes of Health
Classification: Uncertain significance for Catecholaminergic polymorphic ventricular tachycardia. Last evaluated: 2024-04-16. Review status: criteria provided, single submitter. Criteria: ACMG Guidelines, 2015. Collection method: clinical testing. Allele origin: germline. Inheritance: Autosomal dominant inheritance. Observed: 1 variant allele, 1 heterozygote.
Comment: This missense variant replaces aspartic acid with glutamic acid at codon 2836 of the RYR2 protein. Computational prediction suggests that this variant may not impact protein structure and function (internally defined REVEL score threshold <= 0.5, PMID: 27666373). To our knowledge, functional studies have not been reported for this variant. This variant has not been reported in individuals affected with RYR2-related disorders in the literature. This variant has been identified in 1/245174 chromosomes in the general population by the Genome Aggregation Database (gnomAD). The available evidence is insufficient to determine the role of this variant in disease conclusively. Therefore, this variant is classified as a Variant of Uncertain Significance.

This study involves interpretation of variants in research participants for the purpose of population health screening. Participant phenotype was not available at the time of variant classification. Additional details can be found in publication PMID: 35346344, PMCID: PMC8962531

Labcorp Genetics (formerly Invitae), Labcorp
Classification: Uncertain significance for Catecholaminergic polymorphic ventricular tachycardia 1. Last evaluated: 2021-06-24. Review status: criteria provided, single submitter. Criteria: Invitae Variant Classification Sherloc (09022015). Collection method: clinical testing. Allele origin: germline.
Comment: In summary, the available evidence is currently insufficient to determine the role of this variant in disease. Therefore, it has been classified as a Variant of Uncertain Significance. Advanced modeling of protein sequence and biophysical properties (such as structural, functional, and spatial information, amino acid conservation, physicochemical variation, residue mobility, and thermodynamic stability) performed at Invitae indicates that this missense variant is not expected to disrupt RYR2 protein function. This variant has not been reported in the literature in individuals with RYR2-related conditions. This variant is present in population databases (rs757197730, ExAC 0.008%). This sequence change replaces aspartic acid with glutamic acid at codon 2836 of the RYR2 protein (p.Asp2836Glu). The aspartic acid residue is highly conserved and there is a small physicochemical difference between aspartic acid and glutamic acid.

NM_001035.3(RYR2):c.8508C>A (p.Asp2836Glu)

Gene: RYR2 (ryanodine receptor 2; plus strand). Cytogenetic location: 1q43.
Variant type: single nucleotide variant.
Coding change: c.8508C>A on transcript NM_001035.3 (MANE Select); coding-DNA position 8508, C replaced by A.
Protein change: p.Asp2836Glu; replaces aspartic acid 2836 with glutamic acid.
Molecular consequence: missense variant.
Genome position (GRCh38, 1-based): chr1:237,666,583, C>A. VCF-style: chr1-237666583-C-A. GRCh37 (hg19) VCF-style: chr1-237829883-C-A.
Other names: short protein forms D2836E.
Identifiers: ClinVar variation 1368013 (VCV001368013.10), dbSNP rs757197730, ClinGen allele CA087658.